The following is an entry in ClinVar:

NM_000352.6(ABCC8):c.3663dup (p.Phe1222fs)

Gene: ABCC8 (ATP binding cassette subfamily C member 8; minus strand). Cytogenetic location: 11p15.1.
Variant type: Duplication.
Coding change: c.3663dup on transcript NM_000352.6 (MANE Select); coding-DNA position 3663, one base duplicated (G; older notation c.3663dupG).
Protein change: p.Phe1222fs; shifts the reading frame from phenylalanine 1222.
Molecular consequence: frameshift variant. On other transcripts: non-coding transcript variant (1).
Genome position (GRCh38, 1-based): chr11:17,398,429, C duplicated on the plus strand (G on the coding strand, the reverse complement: ABCC8 is on the minus strand); the first of 2 consecutive C bases (chr11:17,398,429-17,398,430); duplicating either gives the same sequence. VCF-style (leftmost placement, unchanged base first): chr11-17398428-A-AC. GRCh37 (hg19) VCF-style: chr11-17419975-A-AC.
Other names: c.3666dup, p.Phe1223fs (NM_001287174.3); c.3729dup, p.Phe1244fs (NM_001351295.2); c.3663dup, p.Phe1222fs (NM_001351296.2); c.3660dup, p.Phe1221fs (NM_001351297.2); short protein forms F1221fs, F1222fs, F1223fs, F1244fs.
Identifiers: ClinVar variation 5011813 (VCV005011813.1).

ClinVar aggregate classification (germline): Pathogenic (1 of 4 stars; one submission).

Conditions:
Hyperinsulinemic hypoglycemia, familial, 1 (HHF1). Also called: HYPERINSULINISM, FAMILIAL, WITH PANCREATIC NESIDIOBLASTOSIS; HYPOGLYCEMIA, HYPERINSULINEMIC, OF INFANCY; NESIDIOBLASTOSIS OF PANCREAS; Persistent Hyperinsulinemia Hypoglycemia of Infancy; Persistent hyperinsulinemic hypoglycemia of infancy. Identifiers: Orphanet 276575, Orphanet 276598, MedGen C2931832, MONDO:0009734, OMIM 256450.

Submission:

Myriad Genetics, Inc.
Classification: Pathogenic for Hyperinsulinemic hypoglycemia, familial, 1. Last evaluated: 2023-09-27. Review status: criteria provided, single submitter. Criteria: Myriad Autosomal Dominant, Autosomal Recessive and X-Linked Classification Criteria (2023). Collection method: clinical testing. Allele origin: unknown.
Comment: NM_000352.3(ABCC8):c.3663dupG(F1222Vfs*184) is expected to be pathogenic in the context of familial hyperinsulinism, ABCC8-related. This variant is predicted to lead to an abnormal or absent protein product due to the creation of a premature termination codon in ABCC8, a gene where loss-of-function variants are known to be pathogenic. Please note: this variant was assessed in the context of healthy population screening.